The following is an entry in ClinVar:

ClinVar aggregate classification (germline): Uncertain significance. Review status: criteria provided, multiple submitters, no conflicts (2 of 4 stars). 3 submissions from 3 submitters: Uncertain significance (3). Last evaluated 2021-08-30.

Conditions:
Fanconi anemia complementation group P. Also called: SLX4-Related Fanconi Anemia. Identifiers: Orphanet 84, MedGen C3469542, MONDO:0013499, OMIM 613951.
Fanconi anemia (FA). Also called: Fanconi's anemia. Identifiers: Orphanet 84, MedGen C0015625, MeSH D005199, MONDO:0019391.

Submissions (3):

Fulgent Genetics
Classification: Uncertain significance for Fanconi anemia complementation group P. Last evaluated: 2021-08-30. Review status: criteria provided, single submitter. Criteria: ACMG Guidelines, 2015. Collection method: clinical testing. Allele origin: unknown.

Labcorp Genetics (formerly Invitae), Labcorp
Classification: Uncertain significance for Fanconi anemia. Last evaluated: 2021-02-13. Review status: criteria provided, single submitter. Criteria: Invitae Variant Classification Sherloc (09022015). Collection method: clinical testing. Allele origin: germline.
Comment: In summary, the available evidence is currently insufficient to determine the role of this variant in disease. Therefore, it has been classified as a Variant of Uncertain Significance. Experimental studies and prediction algorithms are not available or were not evaluated, and the functional significance of this variant is currently unknown. This variant has not been reported in the literature in individuals with SLX4-related conditions. This variant is not present in population databases (ExAC no frequency). This variant, c.1147_1149del, results in the deletion of 1 amino acid(s) of the SLX4 protein (p.Ser383del), but otherwise preserves the integrity of the reading frame.

Genetic Services Laboratory, University of Chicago
Classification: Uncertain significance. Last evaluated: 2015-11-19. Review status: criteria provided, single submitter. Criteria: ACMG Guidelines, 2015. Collection method: clinical testing. Allele origin: germline. Affected: no.

NM_032444.4(SLX4):c.1141AGC[2] (p.Ser383del)

Gene: SLX4 (SLX4 structure-specific endonuclease subunit; minus strand). Cytogenetic location: 16p13.3.
Variant type: Microsatellite.
Coding change: c.1141AGC[2] on transcript NM_032444.4 (MANE Select); two copies in a row of the 3-base unit AGC starting at c.1141; the reference has three copies in a row; one copy, 3 bases deleted; also written c.1147_1149del.
Protein change: p.Ser383del; deletes serine 383.
Molecular consequence: inframe deletion.
Genome position (GRCh38, 1-based): chr16:3,600,993-3,600,995, GCT deleted on the plus strand (AGC on the coding strand, the reverse complement: SLX4 is on the minus strand); deleting any 3 consecutive bases within chr16:3,600,993-3,601,001 gives the same sequence; the position shown is the placement nearest the transcript's 3' end. VCF-style (leftmost placement, unchanged base first): chr16-3600992-GGCT-G. GRCh37 (hg19) VCF-style: chr16-3650993-GGCT-G.
Other names: c.1147_1149del (NM_032444.4); short protein forms S383del.
Identifiers: ClinVar variation 436792 (VCV000436792.12), dbSNP rs938490986, ClinGen allele CA276966212.